The following is an entry in ClinVar:

NM_001271.4(CHD2):c.2505+19T>C

Gene: CHD2 (chromodomain helicase DNA binding protein 2; plus strand). Cytogenetic location: 15q26.1.
Variant type: single nucleotide variant.
Coding change: c.2505+19T>C on transcript NM_001271.4 (MANE Select); 19 bases into the intron after coding-DNA position 2505, T replaced by C.
Molecular consequence: intron variant.
Genome position (GRCh38, 1-based): chr15:92,972,436, T>C. VCF-style: chr15-92972436-T-C. GRCh37 (hg19) VCF-style: chr15-93515666-T-C.
Identifiers: ClinVar variation 382685 (VCV000382685.4), dbSNP rs1057521420, ClinGen allele CA16607946.

ClinVar aggregate classification (germline): Likely benign. Review status: criteria provided, multiple submitters, no conflicts (2 of 4 stars). 2 submissions from 2 submitters: Likely benign (2). Last evaluated 2023-08-16.

Conditions:
Developmental and epileptic encephalopathy 94 (DEE94). Also called: CHD2-Related Neurodevelopmental Disorders; Epileptic encephalopathy, childhood-onset. Identifiers: Orphanet 1942, Orphanet 2382, MedGen C3809278, MONDO:0014150, OMIM 615369.

Allele frequency attached by ClinVar (database versions not stated): gnomAD 0.00001; TOPMed 0.00001.
gnomAD v4.1: 1 of 1,575,302 alleles (0.000063%); highest among the groups gnomAD compares: African/African-American, 0.0014%; no homozygotes.

Submissions (2):

Labcorp Genetics (formerly Invitae), Labcorp
Classification: Likely benign for Developmental and epileptic encephalopathy 94. Last evaluated: 2023-08-16. Review status: criteria provided, single submitter. Criteria: Invitae Variant Classification Sherloc (09022015). Collection method: clinical testing. Allele origin: germline.

GeneDx
Classification: Likely benign. Last evaluated: 2016-01-07. Review status: criteria provided, single submitter. Criteria: GeneDx Variant Classification (06012015). Collection method: clinical testing. Allele origin: germline. Affected: yes.
Comment: This variant is considered likely benign or benign based on one or more of the following criteria: it is a conservative change, it occurs at a poorly conserved position in the protein, it is predicted to be benign by multiple in silico algorithms, and/or has population frequency not consistent with disease.